The following is an entry in ClinVar:

ClinVar aggregate classification (germline): Uncertain significance (1 of 4 stars; one submission).

Submission:

Labcorp Genetics (formerly Invitae), Labcorp
Classification: Uncertain significance. Last evaluated: 2024-02-20. Review status: criteria provided, single submitter. Criteria: Invitae Variant Classification Sherloc (09022015). Collection method: clinical testing. Allele origin: germline.
Comment: This sequence change replaces alanine, which is neutral and non-polar, with glutamic acid, which is acidic and polar, at codon 399 of the SLC7A14 protein (p.Ala399Glu). This variant is not present in population databases (gnomAD no frequency). This variant has not been reported in the literature in individuals affected with SLC7A14-related conditions. An algorithm developed to predict the effect of missense changes on protein structure and function (PolyPhen-2) suggests that this variant is likely to be disruptive. In summary, the available evidence is currently insufficient to determine the role of this variant in disease. Therefore, it has been classified as a Variant of Uncertain Significance.

NM_020949.3(SLC7A14):c.1196C>A (p.Ala399Glu)

Genes: SLC7A14 (solute carrier family 7 member 14; minus strand), SLC7A14-AS1 (SLC7A14 antisense RNA 1; plus strand). Cytogenetic location: 3q26.2.
Variant type: single nucleotide variant.
Coding change: c.1196C>A on transcript NM_020949.3 (MANE Select); coding-DNA position 1196, C replaced by A.
Protein change: p.Ala399Glu; replaces alanine 399 with glutamic acid.
Molecular consequence: missense variant.
Genome position (GRCh38, 1-based): chr3:170,481,086, G>T on the plus strand (C>A on the coding strand, the complement: SLC7A14 is on the minus strand). VCF-style: chr3-170481086-G-T. GRCh37 (hg19) VCF-style: chr3-170198875-G-T.
Other names: short protein forms A399E.
Identifiers: ClinVar variation 3693885 (VCV003693885.2).